The following is an entry in ClinVar:

ClinVar aggregate classification (germline): Uncertain significance (1 of 4 stars; one submission).

Allele frequency attached by ClinVar (database versions not stated): gnomAD exomes below 0.00001.
gnomAD v4.1: 3 of 1,613,762 alleles (0.00019%); highest among the groups gnomAD compares: Non-Finnish European, 0.00017%; no homozygotes.

Submission:

Labcorp Genetics (formerly Invitae), Labcorp
Classification: Uncertain significance. Last evaluated: 2023-04-01. Review status: criteria provided, single submitter. Criteria: Invitae Variant Classification Sherloc (09022015). Collection method: clinical testing. Allele origin: germline.
Comment: This sequence change replaces proline, which is neutral and non-polar, with serine, which is neutral and polar, at codon 434 of the ZMIZ1 protein (p.Pro434Ser). This variant is not present in population databases (gnomAD no frequency). In summary, the available evidence is currently insufficient to determine the role of this variant in disease. Therefore, it has been classified as a Variant of Uncertain Significance. Advanced modeling of protein sequence and biophysical properties (such as structural, functional, and spatial information, amino acid conservation, physicochemical variation, residue mobility, and thermodynamic stability) performed at Invitae indicates that this missense variant is not expected to disrupt ZMIZ1 protein function. This variant has not been reported in the literature in individuals affected with ZMIZ1-related conditions.

NM_020338.4(ZMIZ1):c.1300C>T (p.Pro434Ser)

Gene: ZMIZ1 (zinc finger MIZ-type containing 1; plus strand). Cytogenetic location: 10q22.3.
Variant type: single nucleotide variant.
Coding change: c.1300C>T on transcript NM_020338.4 (MANE Select); coding-DNA position 1300, C replaced by T.
Protein change: p.Pro434Ser; replaces proline 434 with serine.
Molecular consequence: missense variant.
Genome position (GRCh38, 1-based): chr10:79,296,540, C>T. VCF-style: chr10-79296540-C-T. GRCh37 (hg19) VCF-style: chr10-81056297-C-T.
Other names: short protein forms P434S.
Identifiers: ClinVar variation 2881013 (VCV002881013.3), dbSNP rs2492089141, ClinGen allele CA377335864.